The following is an entry in ClinVar:

NM_000346.4(SOX9):c.508C>T (p.Pro170Ser)

Gene: SOX9 (SRY-box transcription factor 9; plus strand). Cytogenetic location: 17q24.3.
Variant type: single nucleotide variant.
Coding change: c.508C>T on transcript NM_000346.4 (MANE Select); coding-DNA position 508, C replaced by T.
Protein change: p.Pro170Ser; replaces proline 170 with serine.
Molecular consequence: missense variant.
Genome position (GRCh38, 1-based): chr17:72,122,795, C>T. VCF-style: chr17-72122795-C-T. GRCh37 (hg19) VCF-style: chr17-70118936-C-T.
Other names: short protein forms P170S.
Identifiers: ClinVar variation 559879 (VCV000559879.18), dbSNP rs866706988, ClinGen allele CA400866451.

ClinVar aggregate classification (germline): Pathogenic/Likely pathogenic. Review status: criteria provided, multiple submitters, no conflicts (2 of 4 stars). 5 submissions from 5 submitters: Pathogenic (3); Likely pathogenic (2). Last evaluated 2023-07-28.

Conditions:
Camptomelic dysplasia (CMPD). Also called: Campomelic Dysplasia; CMPD1/SRA1. Identifiers: Orphanet 140, MedGen C1861922, MONDO:0007251, OMIM 114290.
CAMPOMELIC DYSPLASIA WITH AUTOSOMAL SEX REVERSAL. Identifiers: MedGen C1842462, OMIM 114290.

Submissions (5):

GeneDx
Classification: Pathogenic. Last evaluated: 2023-07-28. Review status: criteria provided, single submitter. Criteria: GeneDx Variant Classification Process June 2021. Collection method: clinical testing. Allele origin: germline. Affected: yes.
Comment: Not observed at significant frequency in large population cohorts (gnomAD); In silico analysis supports that this missense variant has a deleterious effect on protein structure/function; This variant is associated with the following publications: (PMID: 26633542, 34092239, 31019026)

Labcorp Genetics (formerly Invitae), Labcorp
Classification: Pathogenic for Camptomelic dysplasia. Last evaluated: 2022-07-25. Review status: criteria provided, single submitter. Criteria: Invitae Variant Classification Sherloc (09022015). Collection method: clinical testing. Allele origin: germline.
Comment: Advanced modeling of protein sequence and biophysical properties (such as structural, functional, and spatial information, amino acid conservation, physicochemical variation, residue mobility, and thermodynamic stability) performed at Invitae indicates that this missense variant is expected to disrupt SOX9 protein function. For these reasons, this variant has been classified as Pathogenic. ClinVar contains an entry for this variant (Variation ID: 559879). This missense change has been observed in individual(s) with clinical features of campomelic dysplasia and/or multiple congenital anomalies (PMID: 26633542, 34092239). In at least one individual the variant was observed to be de novo. This variant is not present in population databases (gnomAD no frequency). This sequence change replaces proline, which is neutral and non-polar, with serine, which is neutral and polar, at codon 170 of the SOX9 protein (p.Pro170Ser).

Centre of Medical Genetics, University Hospital Muenster
Classification: Likely pathogenic. Last evaluated: 2022-06-10. Review status: criteria provided, single submitter. Criteria: ACMG Guidelines, 2015. Collection method: clinical testing. Allele origin: unknown. Affected: yes. Observed: 1 variant allele, 1 heterozygote.
Comment: ACMG categories: PS1,PM2

Rady Children's Institute for Genomic Medicine, Rady Children's Hospital San Diego
Classification: Pathogenic for CAMPOMELIC DYSPLASIA WITH AUTOSOMAL SEX REVERSAL. Last evaluated: 2018-03-26. Review status: criteria provided, single submitter. Criteria: ACMG Guidelines, 2015. Collection method: clinical testing. Allele origin: germline. Affected: yes. Observed: 1 variant allele.
Comment: This variant has been previously reported in an individual with multiple congenital anomalies (PMID: 26633542). Different missense variants affecting the same amino acid residue (p.Pro170Leu, p.Pro170Arg) have been reported in patients with acampomelic and campomelic dyplasia respectively (PMID: 19921652; 9002675). The p.Pro170Ser variant detected in this individual is absent from the ExAC and gnomAD population databases. It occurs at a highly conserved amino acid and is predicted by multiple in silico tools to be damaging to protein function. Based on the available evidence, the p.Pro170Ser variant in SOX9 is classified as a pathogenic change.

Equipe Genetique des Anomalies du Developpement, Université de Bourgogne
Classification: Likely pathogenic for Camptomelic dysplasia. Last evaluated: 2017-06-23. Review status: criteria provided, single submitter. Criteria: ACMG Guidelines, 2015. Collection method: clinical testing. Allele origin: de novo. Affected: yes. Study: Clinvar_gadteam_Clinical_exome_analysis_3.

Literature cited by the submitters: PubMed 26633542 (cited by Labcorp Genetics (formerly Invitae), Labcorp); PubMed 34092239 (cited by Labcorp Genetics (formerly Invitae), Labcorp).